The following is an entry in ClinVar:

NM_000492.4(CFTR):c.870-8T>C

Gene: CFTR (CF transmembrane conductance regulator; plus strand). Cytogenetic location: 7q31.2.
Variant type: single nucleotide variant.
Coding change: c.870-8T>C on transcript NM_000492.4 (MANE Select); 8 bases into the intron before coding-DNA position 870, T replaced by C.
Molecular consequence: intron variant.
Genome position (GRCh38, 1-based): chr7:117,540,092, T>C. VCF-style: chr7-117540092-T-C. GRCh37 (hg19) VCF-style: chr7-117180146-T-C.
Other names: c.870-8T>C (NM_000492.3).
Identifiers: ClinVar variation 2780946 (VCV002780946.4), dbSNP rs2485026366, ClinGen allele CA2684618156.

ClinVar aggregate classification (germline): Likely benign. Review status: criteria provided, multiple submitters, no conflicts (2 of 4 stars). 2 submissions from 2 submitters: Likely benign (2). Last evaluated 2025-11-09.

Conditions:
CFTR-related disorder (CFTR-RD). Also called: CFTR-related disorders; CFTR-related condition. Identifiers: MedGen C5924204, MONDO:7770004.
Cystic fibrosis (CF). Also called: MUCOVISCIDOSIS. Identifiers: Orphanet 586, MedGen C0010674, MONDO:0009061, OMIM 219700. Disease mechanism: loss of function.

Allele frequency attached by ClinVar (database versions not stated): gnomAD exomes below 0.00001.
gnomAD v4.1: 1 of 1,609,200 alleles (0.000062%); highest among the groups gnomAD compares: Admixed American, 0.0017%; no homozygotes.

Submissions (2):

PreventionGenetics, part of Exact Sciences
Classification: Likely benign for CFTR-related condition. Last evaluated: 2025-11-09. Review status: criteria provided, single submitter. Criteria: ACMG Guidelines, 2015. Collection method: clinical testing. Allele origin: germline.
Comment: This variant is classified as likely benign based on ACMG/AMP sequence variant interpretation guidelines (Richards et al. 2015 PMID: 25741868, with internal and published modifications).

Labcorp Genetics (formerly Invitae), Labcorp
Classification: Likely benign for Cystic fibrosis. Last evaluated: 2023-06-16. Review status: criteria provided, single submitter. Criteria: Invitae Variant Classification Sherloc (09022015). Collection method: clinical testing. Allele origin: germline.